The following is an entry in ClinVar:

NM_001805.4(CEBPE):c.638G>A (p.Arg213His)

Gene: CEBPE (CCAAT enhancer binding protein epsilon; minus strand). Cytogenetic location: 14q11.2.
Variant type: single nucleotide variant.
Coding change: c.638G>A on transcript NM_001805.4 (MANE Select); coding-DNA position 638, G replaced by A.
Protein change: p.Arg213His; replaces arginine 213 with histidine.
Molecular consequence: missense variant.
Genome position (GRCh38, 1-based): chr14:23,117,695, C>T on the plus strand (G>A on the coding strand, the complement: CEBPE is on the minus strand). VCF-style: chr14-23117695-C-T. GRCh37 (hg19) VCF-style: chr14-23586904-C-T.
Other names: short protein forms R213H.
Identifiers: ClinVar variation 2115359 (VCV002115359.4), dbSNP rs2048515737, ClinGen allele CA388952042.
Genomic context (GRCh38, chr14:23,117,695, plus strand): 5'-TGCGTCTCCAGAATGCGCCTCTTGGCCTTGTCTCGGCTCTTGCGCACGGCGATGTTGTTG[C>T]GCTCCCGCCTCAGCCGGTACTCAAGGCTATCTTTGTTCACTGCCTTCTTGCCCTTGTGTA-3'
Protein context (NP_001796.2, residues 203-223): DSLEYRLRRE[Arg213His]NNIAVRKSRD

ClinVar aggregate classification (germline): Uncertain significance (1 of 4 stars; one submission).

Conditions:
Specific granule deficiency. Identifiers: Orphanet 169142, MedGen C0398593, MONDO:0009506.

Allele frequency attached by ClinVar (database versions not stated): gnomAD exomes below 0.00001.

Submission:

Labcorp Genetics (formerly Invitae), Labcorp
Classification: Uncertain significance for Specific granule deficiency. Last evaluated: 2022-03-24. Review status: criteria provided, single submitter. Criteria: Invitae Variant Classification Sherloc (09022015). Collection method: clinical testing. Allele origin: germline.
Comment: In summary, the available evidence is currently insufficient to determine the role of this variant in disease. Therefore, it has been classified as a Variant of Uncertain Significance. Algorithms developed to predict the effect of missense changes on protein structure and function (SIFT, PolyPhen-2, Align-GVGD) all suggest that this variant is likely to be disruptive. This variant has not been reported in the literature in individuals affected with CEBPE-related conditions. This variant is not present in population databases (gnomAD no frequency). This sequence change replaces arginine, which is basic and polar, with histidine, which is basic and polar, at codon 213 of the CEBPE protein (p.Arg213His).